The following is an entry in ClinVar:

NM_024422.6(DSC2):c.2509-111_2509-110del

Gene: DSC2 (desmocollin 2; minus strand). Cytogenetic location: 18q12.1.
Variant type: Microsatellite.
Coding change: c.2509-111_2509-110del on transcript NM_024422.6 (MANE Select); 111 bases into the intron before coding-DNA position 2509 through 110 bases into the intron before coding-DNA position 2509, 2 bases deleted (CT; older notation c.2509-111_2509-110delCT).
Molecular consequence: intron variant. On other transcripts: frameshift variant (1).
Genome position (GRCh38, 1-based): chr18:31,068,322-31,068,323, AG deleted on the plus strand (CT on the coding strand, the reverse complement: DSC2 is on the minus strand); deleting any 2 consecutive bases within chr18:31,068,322-31,068,325 gives the same sequence; the c. name uses the placement nearest the transcript's 3' end. VCF-style (leftmost placement, unchanged base first): chr18-31068321-CAG-C. GRCh37 (hg19) VCF-style: chr18-28648287-CAG-C.
Other names: c.2530_2531del, p.Leu844fs (NM_004949.5); c.2530_2531delCT (NM_004949.4); short protein forms L844fs.
Identifiers: ClinVar variation 191618 (VCV000191618.2), dbSNP rs786205428, ClinGen allele CA022757.

ClinVar aggregate classification (germline): Uncertain significance. Review status: criteria provided, multiple submitters, no conflicts (2 of 4 stars). 2 submissions from 2 submitters: Uncertain significance (2). Last evaluated 2025-04-09.

Conditions:
Cardiovascular phenotype. Identifiers: MedGen CN230736.

Submissions (2):

Molecular Diagnostic Laboratory for Inherited Cardiovascular Disease, Montreal Heart Institute
Classification: Uncertain significance for Cardiovascular phenotype. Last evaluated: 2025-04-09. Review status: criteria provided, single submitter. Criteria: ACMG Guidelines, 2015. Collection method: clinical testing. Allele origin: germline. Affected: yes.
Comment: PVS1_mod;PM2

Biesecker Lab/Clinical Genomics Section, National Institutes of Health
Classification: Uncertain significance. Last evaluated: 2013-06-24. Review status: criteria provided, single submitter. Criteria: Ng et al. (Circ Cardiovasc Genet. 2013). Collection method: research. Allele origin: unknown. Observed: 1 variant allele. Study: ClinSeq.
Comment: The study set was not selected for affection status in relation to any cancer. Pathogenicity categories were based on literature curation. See Pubmed ID:23861362 for details.

Medical sequencing